The following is an entry in ClinVar:

NM_018263.6(ASXL2):c.2727_2741dup (p.Ala911_Pro915dup)

Gene: ASXL2 (ASXL transcriptional regulator 2; minus strand). Cytogenetic location: 2p23.3.
Variant type: Duplication.
Coding change: c.2727_2741dup on transcript NM_018263.6 (MANE Select); coding-DNA positions 2727 to 2741, 15 bases duplicated (ACCTGCTGGATCAGC).
Protein change: p.Ala911_Pro915dup.
Molecular consequence: inframe insertion.
Genome position (GRCh38, 1-based): chr2:25,743,596-25,743,610, GCTGATCCAGCAGGT duplicated on the plus strand (ACCTGCTGGATCAGC on the coding strand, the reverse complement: ASXL2 is on the minus strand); duplicating any 15 consecutive bases within chr2:25,743,596-25,743,614 gives the same sequence; the c. name uses the placement nearest the transcript's 3' end. VCF-style (leftmost placement, unchanged base first): chr2-25743595-A-AGCTGATCCAGCAGGT. GRCh37 (hg19) VCF-style: chr2-25966464-A-AGCTGATCCAGCAGGT.
Other names: c.2553_2567dup, p.Ala853_Pro857dup (NM_001369346.1); c.1947_1961dup, p.Ala651_Pro655dup (NM_001369347.1).
Identifiers: ClinVar variation 1350889 (VCV001350889.6), dbSNP rs753102876, ClinGen allele CA1557584.
Genomic context (GRCh38, chr2:25,743,595, plus strand): 5'-GTTTAAAGAAGTTCCTGGGGTTTTAAGGCTAGAAGCTGCTGGCAAAGTGCTCGAGGGTGG[A>AGCTGATCCAGCAGGT]GCTGATCCAGCAGGTGCTGTAGTTGCACTGACCTGGGGTACAGGAAGCTTTTCTAAAGTG-3'

ClinVar aggregate classification (germline): Uncertain significance (1 of 4 stars; one submission).

Submission:

Labcorp Genetics (formerly Invitae), Labcorp
Classification: Uncertain significance. Last evaluated: 2021-11-15. Review status: criteria provided, single submitter. Criteria: Invitae Variant Classification Sherloc (09022015). Collection method: clinical testing. Allele origin: germline.
Comment: In summary, the available evidence is currently insufficient to determine the role of this variant in disease. Therefore, it has been classified as a Variant of Uncertain Significance. Algorithms developed to predict the effect of sequence changes on RNA splicing suggest that this variant may create or strengthen a splice site. Experimental studies and prediction algorithms are not available or were not evaluated, and the functional significance of this variant is currently unknown. This variant has not been reported in the literature in individuals affected with ASXL2-related conditions. This variant is present in population databases (rs753102876, gnomAD 0.03%). This variant, c.2727_2741dup, results in the insertion of 5 amino acid(s) of the ASXL2 protein (p.Ala911_Pro915dup), but otherwise preserves the integrity of the reading frame.